The following is an entry in ClinVar:

NM_001330078.2(NRXN1):c.2002G>T (p.Val668Leu)

Gene: NRXN1 (neurexin 1; minus strand). Cytogenetic location: 2p16.3.
Variant type: single nucleotide variant.
Coding change: c.2002G>T on transcript NM_001330078.2 (MANE Select); coding-DNA position 2002, G replaced by T.
Protein change: p.Val668Leu; replaces valine 668 with leucine.
Molecular consequence: missense variant.
Genome position (GRCh38, 1-based): chr2:50,538,394, C>A on the plus strand (G>T on the coding strand, the complement: NRXN1 is on the minus strand). VCF-style: chr2-50538394-C-A. GRCh37 (hg19) VCF-style: chr2-50765532-C-A.
Other names: c.2122G>T, p.Val708Leu (NM_001135659.3); c.1978G>T, p.Val660Leu (NM_001330077.2, NM_001330082.2, NM_001330095.2); c.1963G>T, p.Val655Leu (NM_001330083.2, NM_001330084.2); c.2002G>T, p.Val668Leu (NM_001330085.2, NM_001330086.2, NM_004801.6); c.1918G>T, p.Val640Leu (NM_001330087.2, NM_001330096.2); c.1948G>T, p.Val650Leu (NM_001330088.2); c.1999G>T, p.Val667Leu (NM_001330093.2); c.1990G>T, p.Val664Leu (NM_001330094.2); short protein forms V667L, V708L, V660L, V668L, V640L, V655L, V664L, V650L.
Identifiers: ClinVar variation 1786266 (VCV001786266.4), dbSNP rs2465665895, ClinGen allele CA346770593.
Genomic context (GRCh38, chr2:50,538,394, plus strand): 5'-TGTTTTTGCAAGGGTTGCTAAGGCACGGTTTTGCTGTTTCCTTTGAGCAGGAAGGCTTCA[C>A]TCCAGCAGTACTTTGAACTTCAGCCATTTGCCGGATATCTTTGCTTTGGCCATCGATGAA-3'
Protein context (NP_001317007.1, residues 658-678): QMAEVQSTAG[Val668Leu]KPSCSKETAK

ClinVar aggregate classification (germline): Uncertain significance. Review status: criteria provided, multiple submitters, no conflicts (2 of 4 stars). 2 submissions from 2 submitters: Uncertain significance (2). Last evaluated 2024-11-27.

Conditions:
Inborn genetic diseases. Identifiers: MedGen C0950123, MeSH D030342.
Pitt-Hopkins-like syndrome 2 (PTHSL2). Identifiers: Orphanet 221150, Orphanet 600663, MedGen C3280479, MONDO:0013690, OMIM 614325.

Submissions (2):

Labcorp Genetics (formerly Invitae), Labcorp
Classification: Uncertain significance for Pitt-Hopkins-like syndrome 2. Last evaluated: 2024-11-27. Review status: criteria provided, single submitter. Criteria: Invitae Variant Classification Sherloc (09022015). Collection method: clinical testing. Allele origin: germline.
Comment: This sequence change replaces valine, which is neutral and non-polar, with leucine, which is neutral and non-polar, at codon 708 of the NRXN1 protein (p.Val708Leu). This variant is not present in population databases (gnomAD no frequency). This variant has not been reported in the literature in individuals affected with NRXN1-related conditions. ClinVar contains an entry for this variant (Variation ID: 1786266). An algorithm developed to predict the effect of missense changes on protein structure and function (PolyPhen-2) suggests that this variant is likely to be tolerated. In summary, the available evidence is currently insufficient to determine the role of this variant in disease. Therefore, it has been classified as a Variant of Uncertain Significance.

Ambry Genetics
Classification: Uncertain significance for Inborn genetic diseases. Last evaluated: 2017-06-13. Review status: criteria provided, single submitter. Criteria: Ambry Variant Classification Scheme 2023. Collection method: clinical testing. Allele origin: germline.
Comment: The p.V708L variant (also known as c.2122G>T), located in coding exon 10 of the NRXN1 gene, results from a G to T substitution at nucleotide position 2122. The valine at codon 708 is replaced by leucine, an amino acid with highly similar properties. This amino acid position is highly conserved in available vertebrate species. In addition, this alteration is predicted to be deleterious by in silico analysis. Since supporting evidence is limited at this time, the clinical significance of this alteration remains unclear.